The following is an entry in ClinVar:

ClinVar aggregate classification (germline): Uncertain significance (1 of 4 stars; one submission).

Allele frequency attached by ClinVar (database versions not stated): TOPMed 0.00001; gnomAD 0.00001 and 0.00003.
gnomAD v4.1: 5 of 1,612,742 alleles (0.00031%); highest among the groups gnomAD compares: South Asian, 0.0033%; no homozygotes.

Submission:

GeneDx
Classification: Uncertain significance. Last evaluated: 2017-07-25. Review status: criteria provided, single submitter. Criteria: GeneDx Variant Classification (06012015). Collection method: clinical testing. Allele origin: germline. Affected: yes.
Comment: A variant of uncertain significance has been identified in the PNKP gene. The P81L variant has not been published as a pathogenic variant, nor has it been reported as a benign variant to our knowledge. The P81L variant is not observed in large population cohorts (Lek et al., 2016; 1000 Genomes Consortium et al., 2015; Exome Variant Server). The P81L variant is a semi-conservative amino acid substitution, which may impact secondary protein structure as these residues differ in some properties. However, this substitution occurs at a position that is not conserved. In silico analysis is inconsistent in its predictions as to whether or not the variant is damaging to the protein structure/function. Therefore, based on the currently available information, it is unclear whether this variant is a pathogenic variant or a rare benign variant.

NM_007254.4(PNKP):c.242C>T (p.Pro81Leu)

Gene: PNKP (polynucleotide kinase 3'-phosphatase; minus strand). Cytogenetic location: 19q13.33.
Variant type: single nucleotide variant.
Coding change: c.242C>T on transcript NM_007254.4 (MANE Select); coding-DNA position 242, C replaced by T.
Protein change: p.Pro81Leu; replaces proline 81 with leucine.
Molecular consequence: missense variant.
Genome position (GRCh38, 1-based): chr19:49,865,383, G>A on the plus strand (C>T on the coding strand, the complement: PNKP is on the minus strand). VCF-style: chr19-49865383-G-A. GRCh37 (hg19) VCF-style: chr19-50368640-G-A.
Other names: short protein forms P81L.
Identifiers: ClinVar variation 450781 (VCV000450781.2), dbSNP rs753940585, ClinGen allele CA406891066.